The following is an entry in ClinVar:

NM_003172.4(SURF1):c.225C>T (p.Gly75=)

Gene: SURF1 (SURF1 cytochrome c oxidase assembly factor; minus strand). Cytogenetic location: 9q34.2.
Variant type: single nucleotide variant.
Coding change: c.225C>T on transcript NM_003172.4 (MANE Select); coding-DNA position 225, C replaced by T.
Protein change: p.Gly75=; no amino-acid change (glycine 75 retained).
Molecular consequence: synonymous variant. On other transcripts: 5 prime UTR variant (1).
Genome position (GRCh38, 1-based): chr9:133,354,839, G>A on the plus strand (C>T on the coding strand, the complement: SURF1 is on the minus strand). VCF-style: chr9-133354839-G-A. GRCh37 (hg19) VCF-style: chr9-136221694-G-A.
Other names: c.-103C>T (NM_001280787.1); c.225C>T (NM_003172.3).
Identifiers: ClinVar variation 1093120 (VCV001093120.11), dbSNP rs948692485, ClinGen allele CA200833479.
Genomic context (GRCh38, chr9:133,354,839, plus strand): 5'-AAGGTCAAGGGCCCAGAGTTACGCACACCAGATGCCGGTCTTTACCTGCCATGTCCCCAA[G>A]CCAAAGGCAGTCACAGGGATGAGGAGCAGGACCCACTGAAGAAAGGAGTCATCTTCCGCT-3'
Protein context (NP_003163.1, residues 65-85): VLLLIPVTAF[Gly75=]LGTWQVQRRK

ClinVar aggregate classification (germline): Likely benign. Review status: criteria provided, single submitter (1 of 4 stars). 2 submissions from 2 submitters: Likely benign (1). 1 of the submissions does not count toward it. Last evaluated 2026-01-26.

Conditions:
SURF1-related disorder. Also called: SURF1-related condition.
Leigh syndrome (NULS). Also called: Leigh's syndrome; Leigh Disease; Subacute necrotizing encephalopathy; Necrotizing encephalopathy infantile subacute of Leigh; LEIGH SYNDROME, NUCLEAR; Leigh's necrotizing encephalopathy. Identifiers: Orphanet 506, MedGen C2931891, MONDO:0009723, OMIM 256000.

Allele frequency attached by ClinVar (database versions not stated): gnomAD 0.00001; TOPMed 0.00001.
gnomAD v4.1: 1 of 1,613,844 alleles (0.000062%); highest among the groups gnomAD compares: Non-Finnish European, 0.000085%; no homozygotes.

Submissions (2):

Labcorp Genetics (formerly Invitae), Labcorp
Classification: Likely benign for Leigh syndrome. Last evaluated: 2026-01-26. Review status: criteria provided, single submitter. Criteria: Invitae Variant Classification Sherloc (09022015). Collection method: clinical testing. Allele origin: germline.

PreventionGenetics, part of Exact Sciences
Classification: Likely benign for SURF1-related condition. Last evaluated: 2020-10-12. Review status: no assertion criteria provided. Collection method: clinical testing. Allele origin: germline. Not counted in ClinVar's aggregate classification.
Comment: This variant is classified as likely benign based on ACMG/AMP sequence variant interpretation guidelines (Richards et al. 2015 PMID: 25741868, with internal and published modifications).